The following is an entry in ClinVar:

ClinVar aggregate classification (germline): Uncertain significance (1 of 4 stars; one submission).

Conditions:
Sandhoff disease. Also called: Beta-hexosaminidase-beta-subunit deficiency; GM2 gangliosidosis, type 2; Total hexosaminidase deficiency; Sandhoff-Jatzkewitz-Pilz disease; GM2-GANGLIOSIDOSIS, TYPE II; HEXOSAMINIDASES A AND B DEFICIENCY. Identifiers: Orphanet 796, MedGen C0036161, MONDO:0010006, OMIM 268800.

Allele frequency attached by ClinVar (database versions not stated): ExAC 0.00001; gnomAD 0.00001; gnomAD exomes 0.00001.
gnomAD v4.1: 10 of 1,607,796 alleles (0.00062%); highest among the groups gnomAD compares: Admixed American, 0.013%; no homozygotes.

Submission:

Labcorp Genetics (formerly Invitae), Labcorp
Classification: Uncertain significance for Sandhoff disease. Last evaluated: 2022-04-07. Review status: criteria provided, single submitter. Criteria: Invitae Variant Classification Sherloc (09022015). Collection method: clinical testing. Allele origin: germline.
Comment: This sequence change replaces methionine, which is neutral and non-polar, with valine, which is neutral and non-polar, at codon 273 of the HEXB protein (p.Met273Val). This variant is present in population databases (rs753066549, gnomAD 0.009%). This variant has not been reported in the literature in individuals affected with HEXB-related conditions. Advanced modeling of protein sequence and biophysical properties (such as structural, functional, and spatial information, amino acid conservation, physicochemical variation, residue mobility, and thermodynamic stability) performed at Invitae indicates that this missense variant is not expected to disrupt HEXB protein function. In summary, the available evidence is currently insufficient to determine the role of this variant in disease. Therefore, it has been classified as a Variant of Uncertain Significance.

NM_000521.4(HEXB):c.817A>G (p.Met273Val)

Gene: HEXB (hexosaminidase subunit beta; plus strand). Cytogenetic location: 5q13.3.
Variant type: single nucleotide variant.
Coding change: c.817A>G on transcript NM_000521.4 (MANE Select); coding-DNA position 817, A replaced by G.
Protein change: p.Met273Val; replaces methionine 273 with valine.
Molecular consequence: missense variant.
Genome position (GRCh38, 1-based): chr5:74,713,551, A>G. VCF-style: chr5-74713551-A-G. GRCh37 (hg19) VCF-style: chr5-74009376-A-G.
Other names: c.142A>G, p.Met48Val (NM_001292004.2); short protein forms M273V, M48V.
Identifiers: ClinVar variation 2085885 (VCV002085885.1), dbSNP rs753066549, ClinGen allele CA3305956.